The following is an entry in ClinVar:

ClinVar aggregate classification (germline): Likely benign (1 of 4 stars; one submission).

Submission:

CeGaT Center for Human Genetics Tuebingen
Classification: Likely benign. Last evaluated: 2026-07-01. Review status: criteria provided, single submitter. Criteria: CeGaT Center For Human Genetics Tuebingen Variant Classification Criteria Version 2. Collection method: clinical testing. Allele origin: germline. Affected: yes. Observed: 1 variant allele.
Comment: HECTD3: BP4, BP7

NM_024602.6(HECTD3):c.211C>T (p.Leu71=)

Genes: HECTD3 (HECT domain E3 ubiquitin protein ligase 3; minus strand), LOC129930430 (ATAC-STARR-seq lymphoblastoid silent region 824; plus strand). Cytogenetic location: 1p34.1.
Variant type: single nucleotide variant.
Coding change: c.211C>T on transcript NM_024602.6 (MANE Select); coding-DNA position 211, C replaced by T.
Protein change: p.Leu71=; no amino-acid change (leucine 71 retained).
Molecular consequence: synonymous variant.
Genome position (GRCh38, 1-based): chr1:45,011,047, G>A on the plus strand (C>T on the coding strand, the complement: HECTD3 is on the minus strand). VCF-style: chr1-45011047-G-A. GRCh37 (hg19) VCF-style: chr1-45476719-G-A.
Identifiers: ClinVar variation 5038791 (VCV005038791.1).